The following is an entry in ClinVar:

NM_001368882.1(COL13A1):c.646A>T (p.Lys216Ter)

Gene: COL13A1 (collagen type XIII alpha 1 chain; plus strand). Cytogenetic location: 10q22.1.
Variant type: single nucleotide variant.
Coding change: c.646A>T on transcript NM_001368882.1 (MANE Select); coding-DNA position 646, A replaced by T.
Protein change: p.Lys216Ter; replaces lysine 216 with a stop codon.
Molecular consequence: nonsense.
Genome position (GRCh38, 1-based): chr10:69,894,690, A>T. VCF-style: chr10-69894690-A-T. GRCh37 (hg19) VCF-style: chr10-71654446-A-T.
Other names: c.619A>T, p.Lys207Ter (NM_001130103.2, NM_080800.4, NM_080801.4 and 1 more transcripts); c.646A>T, p.Lys216Ter (NM_001320951.2, NM_001368884.1); c.610A>T, p.Lys204Ter (NM_001368883.1, NM_001368885.1); c.46A>T, p.Lys16Ter (NM_001368886.1); c.556A>T, p.Lys186Ter (NM_001368895.1); c.505A>T, p.Lys169Ter (NM_001368896.1, NM_001368898.1, NM_080798.4); c.532A>T, p.Lys178Ter (NM_001368897.1, NM_080805.4); short protein forms K16*, K169*, K178*, K186*, K204*, K207*, K216*.
Identifiers: ClinVar variation 4845279 (VCV004845279.1).

ClinVar aggregate classification (germline): Likely pathogenic (1 of 4 stars; one submission).

Conditions:
Congenital myasthenic syndrome 19. Identifiers: Orphanet 590, MedGen C4225235, MONDO:0014745, OMIM 616720.

Submission:

Pediatric Neurology, Ankara Etlik City Hospital, Health Sciences University
Classification: Likely pathogenic for Congenital myasthenic syndrome 19. Last evaluated: 2026-04-14. Review status: criteria provided, single submitter. Criteria: ACMG Guidelines, 2015. Collection method: clinical testing. Allele origin: germline. Inheritance: Autosomal recessive inheritance. Affected: yes. Observed: 1 variant allele, 1 homozygote.
Comment: PVS1, PM2